The following is an entry in ClinVar:

NM_002471.4(MYH6):c.2929-3C>T

Gene: MYH6 (myosin heavy chain 6; minus strand). Cytogenetic location: 14q11.2.
Variant type: single nucleotide variant.
Coding change: c.2929-3C>T on transcript NM_002471.4 (MANE Select); 3 bases into the intron before coding-DNA position 2929, C replaced by T.
Molecular consequence: intron variant.
Genome position (GRCh38, 1-based): chr14:23,393,521, G>A on the plus strand (C>T on the coding strand, the complement: MYH6 is on the minus strand). VCF-style: chr14-23393521-G-A. GRCh37 (hg19) VCF-style: chr14-23862730-G-A.
Identifiers: ClinVar variation 520324 (VCV000520324.20), dbSNP rs376752266, ClinGen allele CA7115342.

ClinVar aggregate classification (germline): Conflicting classifications of pathogenicity. Review status: criteria provided, conflicting classifications (1 of 4 stars). 7 submissions from 7 submitters: Uncertain significance (4); Likely benign (3). Last evaluated 2026-06-26.

Conditions:
Hypertrophic cardiomyopathy 14. Identifiers: MedGen C2750467, MONDO:0013197, OMIM 613251.
MYH6-related disorder. Also called: MYH6-related condition; MYH6-Related Disorders.
Cardiovascular phenotype. Identifiers: MedGen CN230736.
Dilated cardiomyopathy 1EE (CMD1EE). Identifiers: Orphanet 154, MedGen C2750466, MONDO:0013198, OMIM 613252.
Hypertrophic cardiomyopathy 1 (CMH1). Also called: Familial hypertrophic cardiomyopathy 1; MYH7-Related Familial Hypertrophic Cardiomyopathy. Identifiers: MedGen C3495498, MONDO:0008647, OMIM 192600.
Sick sinus syndrome 3, susceptibility to (SSS3). Identifiers: Orphanet 166282, MedGen C3279791, MONDO:0013568, OMIM 614090.
Atrial septal defect 3 (ASD3). Identifiers: Orphanet 1478, MedGen C3279790, MONDO:0013567, OMIM 614089.

Allele frequency attached by ClinVar (database versions not stated): gnomAD 0.00011 and 0.00009; TOPMed 0.00012; 1000 Genomes Project 30x 0.00016; 1000 Genomes Project 0.00020; ExAC 0.00001; gnomAD exomes 0.00002; ESP Exome Variant Server 0.00008.
gnomAD v4.1: 38 of 1,613,980 alleles (0.0024%); highest among the groups gnomAD compares: African/African-American, 0.04%; no homozygotes.

Submissions (7):

Women's Health and Genetics/Laboratory Corporation of America, LabCorp
Classification: Uncertain significance. Last evaluated: 2026-06-26. Review status: criteria provided, single submitter. Criteria: LabCorp Variant Classification Summary - May 2015. Collection method: clinical testing. Allele origin: germline.

Labcorp Genetics (formerly Invitae), Labcorp
Classification: Uncertain significance for Hypertrophic cardiomyopathy 14. Last evaluated: 2025-12-08. Review status: criteria provided, single submitter. Criteria: Invitae Variant Classification Sherloc (09022015). Collection method: clinical testing. Allele origin: germline.
Comment: This sequence change falls in intron 22 of the MYH6 gene. It does not directly change the encoded amino acid sequence of the MYH6 protein. It affects a nucleotide within the consensus splice site. This variant is present in population databases (rs376752266, gnomAD 0.02%). This variant has not been reported in the literature in individuals affected with MYH6-related conditions. ClinVar contains an entry for this variant (Variation ID: 520324). Variants that disrupt the consensus splice site are a relatively common cause of aberrant splicing (PMID: 17576681, 9536098). Algorithms developed to predict the effect of sequence changes on RNA splicing suggest that this variant is not likely to affect RNA splicing. In summary, the available evidence is currently insufficient to determine the role of this variant in disease. Therefore, it has been classified as a Variant of Uncertain Significance.

Ambry Genetics
Classification: Uncertain significance for Cardiovascular phenotype. Last evaluated: 2025-08-11. Review status: criteria provided, single submitter. Criteria: Ambry Variant Classification Scheme 2023. Collection method: clinical testing. Allele origin: germline.
Comment: The c.2929-3C>T intronic variant results from a C to T substitution 3 nucleotides upstream from coding exon 21 in the MYH6 gene. This nucleotide position is not well conserved in available vertebrate species. In silico splice site analysis predicts that this alteration will not have any significant effect on splicing. Since supporting evidence is limited at this time, the clinical significance of this alteration remains unclear.

PreventionGenetics, part of Exact Sciences
Classification: Likely benign for MYH6-related condition. Last evaluated: 2025-07-30. Review status: criteria provided, single submitter. Criteria: ACMG Guidelines, 2015. Collection method: clinical testing. Allele origin: germline.
Comment: This variant is classified as likely benign based on ACMG/AMP sequence variant interpretation guidelines (Richards et al. 2015 PMID: 25741868, with internal and published modifications).

Blueprint Genetics
Classification: Likely benign. Last evaluated: 2024-08-22. Review status: criteria provided, single submitter. Criteria: ACMG Guidelines, 2015. Collection method: clinical testing. Allele origin: germline.

ARUP Laboratories, Molecular Genetics and Genomics, ARUP Laboratories
Classification: Likely benign. Last evaluated: 2023-01-03. Review status: criteria provided, single submitter. Criteria: ARUP Molecular Germline Variant Investigation Process 2024. Collection method: clinical testing. Allele origin: germline.

Fulgent Genetics
Classification: Uncertain significance for Hypertrophic cardiomyopathy 1; Hypertrophic cardiomyopathy 14; Dilated cardiomyopathy 1EE; Atrial septal defect 3; Sick sinus syndrome 3, susceptibility to. Last evaluated: 2021-08-31. Review status: criteria provided, single submitter. Criteria: ACMG Guidelines, 2015. Collection method: clinical testing. Allele origin: unknown.

Literature cited by the submitters: PubMed 17576681 (cited by Labcorp Genetics (formerly Invitae), Labcorp); PubMed 9536098 (cited by Labcorp Genetics (formerly Invitae), Labcorp).